The following is an entry in ClinVar:

ClinVar aggregate classification (germline): Benign. Review status: criteria provided, multiple submitters, no conflicts (2 of 4 stars). 3 submissions from 3 submitters: Benign (3). Last evaluated 2026-02-02.

Allele frequency attached by ClinVar (database versions not stated): gnomAD exomes 0.00047 and 0.00122; ExAC 0.00155; 1000 Genomes Project 0.00479; gnomAD 0.00510 and 0.00550; 1000 Genomes Project 30x 0.00515; ESP Exome Variant Server 0.00515; TOPMed 0.00559.
gnomAD v4.1: 1,488 of 1,613,694 alleles (0.092%); highest among the groups gnomAD compares: African/African-American, 1.8%; 12 homozygotes.

Submissions (3):

Labcorp Genetics (formerly Invitae), Labcorp
Classification: Benign. Last evaluated: 2026-02-02. Review status: criteria provided, single submitter. Criteria: Invitae Variant Classification Sherloc (09022015). Collection method: clinical testing. Allele origin: germline.

Mayo Clinic Laboratories, Mayo Clinic
Classification: Benign. Last evaluated: 2025-05-29. Review status: criteria provided, single submitter. Criteria: ACMG Guidelines, 2015. Collection method: clinical testing. Allele origin: germline. Observed: 3 variant alleles.
Comment: BA1, BP4, BP7

Breakthrough Genomics
Classification: Benign. Review status: criteria provided, single submitter. Criteria: ACMG Guidelines, 2015. Collection method: not provided. Allele origin: germline. Inheritance: Autosomal recessive inheritance. Affected: yes.

NM_015909.4(NBAS):c.1371T>G (p.Ser457=)

Gene: NBAS (NBAS subunit of NRZ tethering complex; minus strand). Cytogenetic location: 2p24.3.
Variant type: single nucleotide variant.
Coding change: c.1371T>G on transcript NM_015909.4 (MANE Select); coding-DNA position 1371, T replaced by G.
Protein change: p.Ser457=; no amino-acid change (serine 457 retained).
Molecular consequence: synonymous variant. On other transcripts: non-coding transcript variant (1).
Genome position (GRCh38, 1-based): chr2:15,474,295, A>C on the plus strand (T>G on the coding strand, the complement: NBAS is on the minus strand). VCF-style: chr2-15474295-A-C. GRCh37 (hg19) VCF-style: chr2-15614419-A-C.
Other names: p.Ser457=.
Identifiers: ClinVar variation 785960 (VCV000785960.13), dbSNP rs148100286, ClinGen allele CA1536692.